The following is an entry in ClinVar:

ClinVar aggregate classification (germline): Likely pathogenic (1 of 4 stars; one submission).

Conditions:
Neu-Laxova syndrome 2. Identifiers: Orphanet 2671, Orphanet 583602, MedGen C4015019, MONDO:0014466, OMIM 616038.

Allele frequency attached by ClinVar (database versions not stated): gnomAD exomes below 0.00001 and 0.00001; ExAC 0.00001.
gnomAD v4.1: 13 of 1,602,474 alleles (0.00081%); highest among the groups gnomAD compares: Non-Finnish European, 0.0011%; no homozygotes.

Submission:

Labcorp Genetics (formerly Invitae), Labcorp
Classification: Likely pathogenic for Neu-Laxova syndrome 2. Last evaluated: 2022-07-06. Review status: criteria provided, single submitter. Criteria: Invitae Variant Classification Sherloc (09022015). Collection method: clinical testing. Allele origin: germline.
Comment: In summary, the currently available evidence indicates that the variant is pathogenic, but additional data are needed to prove that conclusively. Therefore, this variant has been classified as Likely Pathogenic. This sequence change affects an acceptor splice site in intron 2 of the PSAT1 gene. It is expected to disrupt RNA splicing. Variants that disrupt the donor or acceptor splice site typically lead to a loss of protein function (PMID: 16199547), and loss-of-function variants in PSAT1 are known to be pathogenic (PMID: 17436247, 25152457). This variant is present in population databases (rs772958302, gnomAD 0.0009%). This variant has not been reported in the literature in individuals affected with PSAT1-related conditions. ClinVar contains an entry for this variant (Variation ID: 1502312). Algorithms developed to predict the effect of sequence changes on RNA splicing suggest that this variant may disrupt the consensus splice site.

Literature cited by the submitters: PubMed 16199547; PubMed 17436247; PubMed 25152457.

NM_058179.4(PSAT1):c.122-1G>C

Gene: PSAT1 (phosphoserine aminotransferase 1; plus strand). Cytogenetic location: 9q21.2.
Variant type: single nucleotide variant.
Coding change: c.122-1G>C on transcript NM_058179.4 (MANE Select); the canonical splice acceptor site of the intron before coding-DNA position 122, G replaced by C.
Molecular consequence: splice acceptor variant.
Genome position (GRCh38, 1-based): chr9:78,301,953, G>C. VCF-style: chr9-78301953-G-C. GRCh37 (hg19) VCF-style: chr9-80916869-G-C.
Other names: c.122-1G>C (NM_021154.5).
Identifiers: ClinVar variation 1502312 (VCV001502312.8), dbSNP rs772958302, ClinGen allele CA5095531.